The following is an entry in ClinVar:

NM_000051.4(ATM):c.4482T>C (p.Cys1494=)

Gene: ATM (ATM serine/threonine kinase; plus strand). Cytogenetic location: 11q22.3.
Variant type: single nucleotide variant.
Coding change: c.4482T>C on transcript NM_000051.4 (MANE Select); coding-DNA position 4482, T replaced by C.
Protein change: p.Cys1494=; no amino-acid change (cysteine 1494 retained).
Molecular consequence: synonymous variant.
Genome position (GRCh38, 1-based): chr11:108,292,664, T>C. VCF-style: chr11-108292664-T-C. GRCh37 (hg19) VCF-style: chr11-108163391-T-C.
Other names: c.4482T>C, p.Cys1494= (NM_001351834.2).
Identifiers: ClinVar variation 453522 (VCV000453522.20), dbSNP rs769071554, ClinGen allele CA6265483.
Genomic context (GRCh38, chr11:108,292,664, plus strand): 5'-TTCTCCCTATATTAGGCCTTCTTGTATCATGGATGTGTCATTACGTAGCTTCTCCCTTTG[T>C]TGTGACTTATTAAGTCAGGTTTGCCAGACAGCCGTGACTTACTGTAAGGATGCTCTAGAA-3'
Protein context (NP_000042.3, residues 1484-1504): MDVSLRSFSL[Cys1494=]CDLLSQVCQT

ClinVar aggregate classification (germline): Benign/Likely benign. Review status: criteria provided, multiple submitters, no conflicts (2 of 4 stars). 6 submissions from 6 submitters: Benign (1); Likely benign (5). Last evaluated 2026-01-12.

Conditions:
Hereditary cancer-predisposing syndrome. Also called: Tumor predisposition; Hereditary Cancer Syndrome; Neoplastic Syndromes, Hereditary; Hereditary neoplastic syndrome. Identifiers: Orphanet 140162, MedGen C0027672, MeSH D009386, MONDO:0015356.
Familial cancer of breast. Also called: Hereditary breast cancer; hereditary breast carcinoma; BREAST CANCER, FAMILIAL. Identifiers: Orphanet 227535, MedGen C0346153, MONDO:0016419, OMIM 114480. Disease mechanism: loss of function.
Ataxia-telangiectasia syndrome (AT). Also called: Cerebello-oculocutaneous telangiectasia; Immunodeficiency with ataxia telangiectasia; Ataxia-telangiectasia, complementation group D; AT, COMPLEMENTATION GROUP C; Ataxia-telangiectasia, complementation group E; LOUIS-BAR SYNDROME. Identifiers: Orphanet 100, MedGen C0004135, MONDO:0008840, OMIM 208900.

Allele frequency attached by ClinVar (database versions not stated): gnomAD exomes below 0.00001 and 0.00002; TOPMed below 0.00001; ExAC 0.00002.
gnomAD v4.1: 6 of 1,614,022 alleles (0.00037%); highest among the groups gnomAD compares: East Asian, 0.0089%; no homozygotes.

Submissions (6):

Labcorp Genetics (formerly Invitae), Labcorp
Classification: Likely benign for Ataxia-telangiectasia syndrome. Last evaluated: 2026-01-12. Review status: criteria provided, single submitter. Criteria: Invitae Variant Classification Sherloc (09022015). Collection method: clinical testing. Allele origin: germline.

Myriad Genetics, Inc.
Classification: Benign for Familial cancer of breast. Last evaluated: 2024-05-20. Review status: criteria provided, single submitter. Criteria: Myriad Autosomal Dominant, Autosomal Recessive and X-Linked Classification Criteria (2023). Collection method: clinical testing. Allele origin: unknown.
Comment: This variant is considered benign. This variant is a silent/synonymous amino acid change and it is not expected to impact splicing.

Women's Health and Genetics/Laboratory Corporation of America, LabCorp
Classification: Likely benign. Last evaluated: 2019-01-30. Review status: criteria provided, single submitter. Criteria: LabCorp Variant Classification Summary - May 2015. Collection method: clinical testing. Allele origin: germline.
Comment: Variant summary: ATM c.4482T>C alters a non-conserved nucleotide resulting in a synonymous change. 5/5 computational tools predict no significant impact on normal splicing. However, these predictions have yet to be confirmed by functional studies. The variant allele was found at a frequency of 1.6e-05 in 246118 control chromosomes (gnomAD). The available data on variant occurrences in the general population are insufficient to allow any conclusion about variant significance. To our knowledge, no occurrence of c.4482T>C in individuals affected with Breast Cancer and no experimental evidence demonstrating its impact on protein function have been reported. Co-occurrences with other pathogenic variant(s) have been reported (BRCA2 c.5290_5291delTC, p.Ser1764fsX3), providing supporting evidence for a benign role. Three ClinVar submissions from clinical diagnostic laboratories (evaluation after 2014) cite the variant as likely benign. Based on the evidence outlined above, the variant was classified as likely benign.

GeneDx
Classification: Likely benign. Last evaluated: 2018-06-18. Review status: criteria provided, single submitter. Criteria: GeneDx Variant Classification (06012015). Collection method: clinical testing. Allele origin: germline. Affected: yes.
Comment: This variant is considered likely benign or benign based on one or more of the following criteria: it is a conservative change, it occurs at a poorly conserved position in the protein, it is predicted to be benign by multiple in silico algorithms, and/or has population frequency not consistent with disease.

Ambry Genetics
Classification: Likely benign for Hereditary cancer-predisposing syndrome. Last evaluated: 2017-05-17. Review status: criteria provided, single submitter. Criteria: Ambry Variant Classification Scheme 2023. Collection method: clinical testing. Allele origin: germline.

Color Diagnostics, LLC DBA Color Health
Classification: Likely benign for Hereditary cancer-predisposing syndrome. Last evaluated: 2017-01-03. Review status: criteria provided, single submitter. Criteria: ACMG Guidelines, 2015. Collection method: clinical testing. Allele origin: germline.